The following is an entry in ClinVar:

NM_002769.5(PRSS1):c.242T>C (p.Leu81Pro)

Genes: TRB (T cell receptor beta locus; plus strand), PRSS1 (serine protease 1; plus strand). Cytogenetic location: 7q34.
Variant type: single nucleotide variant.
Coding change: c.242T>C on transcript NM_002769.5 (MANE Select); coding-DNA position 242, T replaced by C.
Protein change: p.Leu81Pro; replaces leucine 81 with proline.
Molecular consequence: missense variant. On other transcripts: non-coding transcript variant (2).
Genome position (GRCh38, 1-based): chr7:142,751,815, T>C. VCF-style: chr7-142751815-T-C. GRCh37 (hg19) VCF-style: chr7-142459666-T-C.
Other names: short protein forms L81P.
Identifiers: ClinVar variation 1791153 (VCV001791153.2), dbSNP rs2485752663, ClinGen allele CA369608489.

ClinVar aggregate classification (germline): Uncertain significance (1 of 4 stars; one submission).

Conditions:
Hereditary pancreatitis (PCTT). Also called: PRSS1-Related Hereditary Pancreatitis; Hereditary chronic pancreatitis. Identifiers: Orphanet 676, MedGen C0238339, MONDO:0008185, OMIM 167800.

Submission:

Ambry Genetics
Classification: Uncertain significance for Hereditary pancreatitis. Last evaluated: 2022-07-17. Review status: criteria provided, single submitter. Criteria: Ambry Variant Classification Scheme 2023. Collection method: clinical testing. Allele origin: germline.
Comment: The p.L81P variant (also known as c.242T>C), located in coding exon 3 of the PRSS1 gene, results from a T to C substitution at nucleotide position 242. The leucine at codon 81 is replaced by proline, an amino acid with similar properties. This amino acid position is conserved. In addition, this alteration is predicted to be tolerated by in silico analysis. Since supporting evidence is limited at this time, the clinical significance of this alteration remains unclear.